The following is an entry in ClinVar:

NM_025000.4(DCAF17):c.1A>G (p.Met1Val)

Genes: DCAF17 (DDB1 and CUL4 associated factor 17; plus strand), METTL8 (methyltransferase 8, tRNA N3-cytidine; minus strand). Cytogenetic location: 2q31.1.
Variant type: single nucleotide variant.
Coding change: c.1A>G on transcript NM_025000.4 (MANE Select); coding-DNA position 1, A replaced by G.
Protein change: p.Met1Val; changes the start codon (methionine 1).
Molecular consequence: missense variant, initiator codon variant. On other transcripts: non-coding transcript variant (1), intron variant (4).
Genome position (GRCh38, 1-based): chr2:171,434,578, A>G. VCF-style: chr2-171434578-A-G. GRCh37 (hg19) VCF-style: chr2-172291088-A-G.
Other names: c.1A>G, p.Met1Val (NM_001164821.2); c.8+96T>C (NM_001321161.2, NM_001321158.2, NM_001321157.2); c.-13+96T>C (NM_024770.5); short protein forms M1V.
Identifiers: ClinVar variation 2960660 (VCV002960660.4), dbSNP rs762608997, ClinGen allele CA1964529.

ClinVar aggregate classification (germline): Pathogenic/Likely pathogenic. Review status: criteria provided, multiple submitters, no conflicts (2 of 4 stars). 2 submissions from 2 submitters: Pathogenic (1); Likely pathogenic (1). Last evaluated 2025-12-02.

Conditions:
Woodhouse-Sakati syndrome. Also called: Hypogonadism, Alopecia, Diabetes Mellitus, Mental Retardation, and Extrapyramidal Syndrome; Hypogonadism, diabetes mellitus, alopecia, mental retardation and electrocardiographic abnormalities; EXTRAPYRAMIDAL DISORDER, PROGRESSIVE, WITH PRIMARY HYPOGONADISM, MENTAL RETARDATION, AND ALOPECIA. Identifiers: Orphanet 3464, MedGen C0342286, MONDO:0009419, OMIM 241080.

Allele frequency attached by ClinVar (database versions not stated): ExAC 0.00010.
gnomAD v4.1: 15 of 1,527,114 alleles (0.00098%); highest among the groups gnomAD compares: South Asian, 0.018%; no homozygotes.

Submissions (2):

Labcorp Genetics (formerly Invitae), Labcorp
Classification: Pathogenic for Woodhouse-Sakati syndrome. Last evaluated: 2025-12-02. Review status: criteria provided, single submitter. Criteria: Invitae Variant Classification Sherloc (09022015). Collection method: clinical testing. Allele origin: germline.
Comment: This sequence change affects the initiator codon of the DCAF17 mRNA. This change may impact translation initiation or efficiency. The next in-frame methionine is located at codon 88. This variant is present in population databases (rs762608997, gnomAD 0.01%). Disruption of the initiator codon has been observed in individual(s) with Woodhouse-Sakati syndrome (PMID: 31323129). It has also been observed to segregate with disease in related individuals. ClinVar contains an entry for this variant (Variation ID: 2960660). For these reasons, this variant has been classified as Pathogenic.

Fulgent Genetics
Classification: Likely pathogenic for Woodhouse-Sakati syndrome. Last evaluated: 2024-06-13. Review status: criteria provided, single submitter. Criteria: ACMG Guidelines, 2015. Collection method: clinical testing. Allele origin: germline.

Literature cited by the submitters: PubMed 31323129 (cited by Labcorp Genetics (formerly Invitae), Labcorp).